The following is an entry in ClinVar:

ClinVar aggregate classification (germline): Uncertain significance (0 of 4 stars; one submission).

Conditions:
Wolff-Parkinson-White pattern. Also called: WPW SYNDROME; Auriculoventricular accessory pathway syndrome; False bundle branch block syndrome; Anomalous ventricular excitation syndrome. Identifiers: MedGen C0043202, MONDO:0008685, OMIM 194200, HP:0001716.

Allele frequency attached by ClinVar (database versions not stated): gnomAD exomes below 0.00001.
gnomAD v4.1: 1 of 1,611,532 alleles (0.000062%); highest among the groups gnomAD compares: Non-Finnish European, 0.000085%; no homozygotes.

Submission:

Lupski Lab, Baylor-Hopkins CMG, Baylor College of Medicine
Classification: Uncertain significance for Wolff-Parkinson-White pattern. Last evaluated: 2017-07-14. Review status: no assertion criteria provided. Collection method: research. Allele origin: unknown. Affected: yes. Observed: 1 variant allele. Study: Candidate_variants_in_patients_with_ Wolff-Parkinson-White Syndrome.

NM_005159.5(ACTC1):c.944T>A (p.Met315Lys)

Genes: GJD2-DT (GJD2 divergent transcript; plus strand), ACTC1 (actin alpha cardiac muscle 1; minus strand). Cytogenetic location: 15q14.
Variant type: single nucleotide variant.
Coding change: c.944T>A on transcript NM_005159.5 (MANE Select); coding-DNA position 944, T replaced by A.
Protein change: p.Met315Lys; replaces methionine 315 with lysine.
Molecular consequence: missense variant.
Genome position (GRCh38, 1-based): chr15:34,791,160, A>T on the plus strand (T>A on the coding strand, the complement: ACTC1 is on the minus strand). VCF-style: chr15-34791160-A-T. GRCh37 (hg19) VCF-style: chr15-35083361-A-T.
Other names: c.944T>A (LRG_388t1); short protein forms M315K.
Identifiers: ClinVar variation 487590 (VCV000487590.1), dbSNP rs1555418685, ClinGen allele CA391629372.